The following is an entry in ClinVar:

NM_000492.4(CFTR):c.1966G>C (p.Glu656Gln)

Gene: CFTR (CF transmembrane conductance regulator; plus strand). Cytogenetic location: 7q31.2.
Variant type: single nucleotide variant.
Coding change: c.1966G>C on transcript NM_000492.4 (MANE Select); coding-DNA position 1966, G replaced by C.
Protein change: p.Glu656Gln; replaces glutamic acid 656 with glutamine.
Molecular consequence: missense variant.
Genome position (GRCh38, 1-based): chr7:117,592,133, G>C. VCF-style: chr7-117592133-G-C. GRCh37 (hg19) VCF-style: chr7-117232187-G-C.
Other names: short protein forms E656Q.
Identifiers: ClinVar variation 1984366 (VCV001984366.6), dbSNP rs397508323, ClinGen allele CA368979035.

ClinVar aggregate classification (germline): Uncertain significance. Review status: criteria provided, multiple submitters, no conflicts (2 of 4 stars). 2 submissions from 2 submitters: Uncertain significance (2). Last evaluated 2023-01-12.

Conditions:
Cystic fibrosis (CF). Also called: MUCOVISCIDOSIS. Identifiers: Orphanet 586, MedGen C0010674, MONDO:0009061, OMIM 219700. Disease mechanism: loss of function.

Allele frequency attached by ClinVar (database versions not stated): gnomAD exomes below 0.00001.
gnomAD v4.1: 2 of 1,614,002 alleles (0.00012%); highest among the groups gnomAD compares: East Asian, 0.0045%; no homozygotes.

Submissions (2):

Ambry Genetics
Classification: Uncertain significance for Cystic fibrosis. Last evaluated: 2023-01-12. Review status: criteria provided, single submitter. Criteria: Ambry Variant Classification Scheme 2023. Collection method: clinical testing. Allele origin: germline.
Comment: The p.E656Q variant (also known as c.1966G>C), located in coding exon 14 of the CFTR gene, results from a G to C substitution at nucleotide position 1966. The glutamic acid at codon 656 is replaced by glutamine, an amino acid with highly similar properties. This amino acid position is conserved. In addition, the in silico prediction for this alteration is inconclusive. Since supporting evidence is limited at this time, the clinical significance of this alteration remains unclear.

Labcorp Genetics (formerly Invitae), Labcorp
Classification: Uncertain significance for Cystic fibrosis. Last evaluated: 2022-06-10. Review status: criteria provided, single submitter. Criteria: Invitae Variant Classification Sherloc (09022015). Collection method: clinical testing. Allele origin: germline.
Comment: In summary, the available evidence is currently insufficient to determine the role of this variant in disease. Therefore, it has been classified as a Variant of Uncertain Significance. Advanced modeling of protein sequence and biophysical properties (such as structural, functional, and spatial information, amino acid conservation, physicochemical variation, residue mobility, and thermodynamic stability) performed at Invitae indicates that this missense variant is expected to disrupt CFTR protein function. This variant has not been reported in the literature in individuals affected with CFTR-related conditions. This variant is present in population databases (no rsID available, gnomAD 0.006%). This sequence change replaces glutamic acid, which is acidic and polar, with glutamine, which is neutral and polar, at codon 656 of the CFTR protein (p.Glu656Gln).